The following is an entry in ClinVar:

NM_005888.3(SLC25A3):c.-78G>A

Gene: SLC25A3 (solute carrier family 25 member 3; plus strand). Cytogenetic location: 12q23.1.
Variant type: single nucleotide variant.
Coding change: c.-78G>A on transcript NM_005888.3; 78 bases upstream of the start codon, G replaced by A.
Genome position (GRCh38, 1-based): chr12:98,593,667, G>A. VCF-style: chr12-98593667-G-A. GRCh37 (hg19) VCF-style: chr12-98987445-G-A.
Identifiers: ClinVar variation 310792 (VCV000310792.8), dbSNP rs28372744, ClinGen allele CA10638849.

ClinVar aggregate classification (germline): Benign. Review status: criteria provided, multiple submitters, no conflicts (2 of 4 stars). 2 submissions from 2 submitters: Benign (2). Last evaluated 2018-01-12.

Conditions:
Cardiomyopathy-hypotonia-lactic acidosis syndrome (MPCD). Identifiers: Orphanet 91130, MedGen C1835845, MONDO:0012557, OMIM 610773.

Allele frequency attached by ClinVar (database versions not stated): gnomAD 0.04943 and 0.04592; TOPMed 0.04682; 1000 Genomes Project 30x 0.06824; 1000 Genomes Project 0.07388.

Submissions (2):

Illumina Laboratory Services, Illumina
Classification: Benign for Cardiomyopathy-hypotonia-lactic acidosis syndrome. Last evaluated: 2018-01-12. Review status: criteria provided, single submitter. Criteria: ICSL Variant Classification Criteria 13 December 2019. Collection method: clinical testing. Allele origin: germline.
Comment: This variant was observed in the ICSL laboratory as part of a predisposition screen in an ostensibly healthy population. It had not been previously curated by ICSL or reported in the Human Gene Mutation Database (HGMD: prior to June 1st, 2018), and was therefore a candidate for classification through an automated scoring system. Utilizing variant allele frequency, disease prevalence and penetrance estimates, and inheritance mode, an automated score was calculated to assess if this variant is too frequent to cause the disease. Based on the score and internal cut-off values, a variant classified as benign is not then subjected to further curation. The score for this variant resulted in a classification of benign for this disease.

Breakthrough Genomics
Classification: Benign. Review status: criteria provided, single submitter. Criteria: ACMG Guidelines, 2015. Collection method: not provided. Allele origin: germline. Inheritance: Autosomal recessive inheritance. Affected: yes.